The following is an entry in ClinVar:

ClinVar aggregate classification (germline): Uncertain significance (1 of 4 stars; one submission).

Conditions:
Succinate-semialdehyde dehydrogenase deficiency (SSADHD). Also called: GABA METABOLIC DEFECT; Succinic Semialdehyde Dehydrogenase Deficiency; SSADH DEFICIENCY; 4-HYDROXYBUTYRIC ACIDURIA. Identifiers: Orphanet 22, MedGen C0268631, MONDO:0010083, OMIM 271980.

Submission:

Labcorp Genetics (formerly Invitae), Labcorp
Classification: Uncertain significance for Succinate-semialdehyde dehydrogenase deficiency. Last evaluated: 2023-08-17. Review status: criteria provided, single submitter. Criteria: Invitae Variant Classification Sherloc (09022015). Collection method: clinical testing. Allele origin: germline.
Comment: In summary, the available evidence is currently insufficient to determine the role of this variant in disease. Therefore, it has been classified as a Variant of Uncertain Significance. This variant has not been reported in the literature in individuals affected with ALDH5A1-related conditions. A copy number gain of the genomic region encompassing the full coding sequence of the ALDH5A1 gene has been identified. The boundaries of this event are unknown as they extend beyond the assayed region for this gene and therefore may encompass additional genes. As the precise location of this event is unknown, it may be in tandem or it may be located elsewhere in the genome.

NC_000006.11:g.(?_24278257)_(24533940_?)dup

Genes: ALDH5A1 (aldehyde dehydrogenase 5 family member A1; plus strand), DCDC2 (doublecortin domain containing 2; minus strand), GPLD1 (glycosylphosphatidylinositol specific phospholipase D1; minus strand), KAAG1 (kidney associated DCDC2 antisense RNA 1; plus strand), MRS2 (magnesium transporter MRS2; plus strand). Cytogenetic location: 6p22.3.
Variant type: Duplication.
Identifiers: ClinVar variation 1511269 (VCV001511269.5).